The following is an entry in ClinVar:

ClinVar aggregate classification (germline): Uncertain significance. Review status: criteria provided, multiple submitters, no conflicts (2 of 4 stars). 2 submissions from 2 submitters: Uncertain significance (2). Last evaluated 2022-09-19.

Conditions:
Inborn genetic diseases. Identifiers: MedGen C0950123, MeSH D030342.

Allele frequency attached by ClinVar (database versions not stated): gnomAD exomes below 0.00001.
gnomAD v4.1: 1 of 1,613,892 alleles (0.000062%); highest among the groups gnomAD compares: Admixed American, 0.0017%; no homozygotes.

Submissions (2):

Ambry Genetics
Classification: Uncertain significance for Inborn genetic diseases. Last evaluated: 2022-09-19. Review status: criteria provided, single submitter. Criteria: Ambry Variant Classification Scheme 2023. Collection method: clinical testing. Allele origin: germline.
Comment: The p.Y2132C variant (also known as c.6395A>G), located in coding exon 38 of the ATR gene, results from an A to G substitution at nucleotide position 6395. The tyrosine at codon 2132 is replaced by cysteine, an amino acid with highly dissimilar properties. This amino acid position is conserved. In addition, this alteration is predicted to be tolerated by in silico analysis. Since supporting evidence is limited at this time, the clinical significance of this alteration remains unclear.

Labcorp Genetics (formerly Invitae), Labcorp
Classification: Uncertain significance. Last evaluated: 2022-08-16. Review status: criteria provided, single submitter. Criteria: Invitae Variant Classification Sherloc (09022015). Collection method: clinical testing. Allele origin: germline.
Comment: This sequence change replaces tyrosine, which is neutral and polar, with cysteine, which is neutral and slightly polar, at codon 2132 of the ATR protein (p.Tyr2132Cys). This variant is present in population databases (no rsID available, gnomAD 0.003%). This variant has not been reported in the literature in individuals affected with ATR-related conditions. Algorithms developed to predict the effect of missense changes on protein structure and function output the following: SIFT: "Tolerated"; PolyPhen-2: "Benign"; Align-GVGD: "Class C15". The cysteine amino acid residue is found in multiple mammalian species, which suggests that this missense change does not adversely affect protein function. In summary, the available evidence is currently insufficient to determine the role of this variant in disease. Therefore, it has been classified as a Variant of Uncertain Significance.

NM_001184.4(ATR):c.6395A>G (p.Tyr2132Cys)

Gene: ATR (ATR checkpoint kinase; minus strand). Cytogenetic location: 3q23.
Variant type: single nucleotide variant.
Coding change: c.6395A>G on transcript NM_001184.4 (MANE Select); coding-DNA position 6395, A replaced by G.
Protein change: p.Tyr2132Cys; replaces tyrosine 2132 with cysteine.
Molecular consequence: missense variant.
Genome position (GRCh38, 1-based): chr3:142,469,494, T>C on the plus strand (A>G on the coding strand, the complement: ATR is on the minus strand). VCF-style: chr3-142469494-T-C. GRCh37 (hg19) VCF-style: chr3-142188336-T-C.
Other names: c.6203A>G, p.Tyr2068Cys (NM_001354579.2); short protein forms Y2068C, Y2132C.
Identifiers: ClinVar variation 1753250 (VCV001753250.7), dbSNP rs1447253574, ClinGen allele CA354805053.
Genomic context (GRCh38, chr3:142,469,494, plus strand): 5'-GAATGACAAATTCGAGAGATCAATTGTGAAAAAGCAGTCAAAAATTGATATGGAGCTAAA[T>C]AGTTTGTATGCTCTGTGATAACCTTGTTTATTTTACCCAAATCATTCCTCATTTGTACAC-3'
Protein context (NP_001175.2, residues 2122-2142): INKVITEHTN[Tyr2132Cys]LAPYQFLTAF